The following is an entry in ClinVar:

NM_001375524.1(TRRAP):c.1397C>T (p.Ala466Val)

Gene: TRRAP (transformation/transcription domain associated protein; plus strand). Cytogenetic location: 7q22.1.
Variant type: single nucleotide variant.
Coding change: c.1397C>T on transcript NM_001375524.1 (MANE Select); coding-DNA position 1397, C replaced by T.
Protein change: p.Ala466Val; replaces alanine 466 with valine.
Molecular consequence: missense variant.
Genome position (GRCh38, 1-based): chr7:98,910,102, C>T. VCF-style: chr7-98910102-C-T. GRCh37 (hg19) VCF-style: chr7-98507725-C-T.
Other names: c.1397C>T, p.Ala466Val (NM_001244580.2, NM_003496.4); short protein forms A466V.
Identifiers: ClinVar variation 2662192 (VCV002662192.1), dbSNP rs2484711840, ClinGen allele CA368286042.
Genomic context (GRCh38, chr7:98,910,102, plus strand): 5'-TCTCTTCCCGTTAGGTTTTCGTTCTCAAATTCCACACAATTGCTCGGTACCAGCTCTCTG[C>T]CATTTTTAAGAAGTGTAAGCCTCAGTCAGAACTTGGAGCCGTGGAAGCAGCTCTGCCTGG-3'
Protein context (NP_001362453.1, residues 456-476): FHTIARYQLS[Ala466Val]IFKKCKPQSE

ClinVar aggregate classification (germline): Uncertain significance (1 of 4 stars; one submission).

Allele frequency attached by ClinVar (database versions not stated): gnomAD exomes below 0.00001.
gnomAD v4.1: 1 of 1,589,336 alleles (0.000063%); highest among the groups gnomAD compares: Non-Finnish European, 0.000086%; no homozygotes.

Submission:

GeneDx
Classification: Uncertain significance. Last evaluated: 2023-05-07. Review status: criteria provided, single submitter. Criteria: GeneDx Variant Classification Process June 2021. Collection method: clinical testing. Allele origin: germline. Affected: yes.
Comment: Not observed at significant frequency in large population cohorts (gnomAD); In silico analysis supports that this missense variant does not alter protein structure/function; Has not been previously published as pathogenic or benign to our knowledge